The following is an entry in ClinVar:

NM_002972.4(SBF1):c.499G>A (p.Val167Met)

Gene: SBF1 (SET binding factor 1; minus strand). Cytogenetic location: 22q13.33.
Variant type: single nucleotide variant.
Coding change: c.499G>A on transcript NM_002972.4 (MANE Select); coding-DNA position 499, G replaced by A.
Protein change: p.Val167Met; replaces valine 167 with methionine.
Molecular consequence: missense variant.
Genome position (GRCh38, 1-based): chr22:50,467,388, C>T on the plus strand (G>A on the coding strand, the complement: SBF1 is on the minus strand). VCF-style: chr22-50467388-C-T. GRCh37 (hg19) VCF-style: chr22-50905817-C-T.
Other names: c.502G>A, p.Val168Met (NM_001365819.1); c.499G>A (NM_002972.2); short protein forms V167M, V168M.
Identifiers: ClinVar variation 1503079 (VCV001503079.7), dbSNP rs117163826, ClinGen allele CA10318055.
Genomic context (GRCh38, chr22:50,467,388, plus strand): 5'-CAAAACTCACCTGCGAGCCCCCAGCCAGGGGCACAGTGCACGTCAGCAGGTTCCCAATCA[C>T]GTTCTCCAGGCACACATTCAGGCCCTCCACGTGGATGGCATAGATGAGGCCAAGGCTGTT-3'
Protein context (NP_002963.2, residues 157-177): VEGLNVCLEN[Val167Met]IGNLLTCTVP

ClinVar aggregate classification (germline): Uncertain significance. Review status: criteria provided, multiple submitters, no conflicts (2 of 4 stars). 2 submissions from 2 submitters: Uncertain significance (2). Last evaluated 2025-11-05.

Allele frequency attached by ClinVar (database versions not stated): gnomAD 0.00001; gnomAD exomes 0.00002; ExAC 0.00003; 1000 Genomes Project 0.00020; 1000 Genomes Project 30x 0.00031.

Submissions (2):

Ambry Genetics
Classification: Uncertain significance. Last evaluated: 2025-11-05. Review status: criteria provided, single submitter. Criteria: Ambry Variant Classification Scheme 2023. Collection method: clinical testing. Allele origin: germline.

Labcorp Genetics (formerly Invitae), Labcorp
Classification: Uncertain significance. Last evaluated: 2022-05-22. Review status: criteria provided, single submitter. Criteria: Invitae Variant Classification Sherloc (09022015). Collection method: clinical testing. Allele origin: germline.
Comment: Algorithms developed to predict the effect of missense changes on protein structure and function are either unavailable or do not agree on the potential impact of this missense change (SIFT: "Tolerated"; PolyPhen-2: "Probably Damaging"; Align-GVGD: "Class C0"). This variant has not been reported in the literature in individuals affected with SBF1-related conditions. This variant is present in population databases (rs117163826, gnomAD 0.006%). This sequence change replaces valine, which is neutral and non-polar, with methionine, which is neutral and non-polar, at codon 167 of the SBF1 protein (p.Val167Met). In summary, the available evidence is currently insufficient to determine the role of this variant in disease. Therefore, it has been classified as a Variant of Uncertain Significance.